The following is an entry in ClinVar:

NM_198578.4(LRRK2):c.1529A>G (p.His510Arg)

Gene: LRRK2 (leucine rich repeat kinase 2; plus strand). Cytogenetic location: 12q12.
Variant type: single nucleotide variant.
Coding change: c.1529A>G on transcript NM_198578.4 (MANE Select); coding-DNA position 1529, A replaced by G.
Protein change: p.His510Arg; replaces histidine 510 with arginine.
Molecular consequence: missense variant.
Genome position (GRCh38, 1-based): chr12:40,259,590, A>G. VCF-style: chr12-40259590-A-G. GRCh37 (hg19) VCF-style: chr12-40653392-A-G.
Other names: short protein forms H510R.
Identifiers: ClinVar variation 1774569 (VCV001774569.2), dbSNP rs2499550985, ClinGen allele CA384411746.

ClinVar aggregate classification (germline): Uncertain significance (1 of 4 stars; one submission).

Conditions:
Inborn genetic diseases. Identifiers: MedGen C0950123, MeSH D030342.

Allele frequency attached by ClinVar (database versions not stated): gnomAD exomes below 0.00001.
gnomAD v4.1: 2 of 1,613,204 alleles (0.00012%); highest among the groups gnomAD compares: Non-Finnish European, 0.00017%; no homozygotes.

Submission:

Ambry Genetics
Classification: Uncertain significance for Inborn genetic diseases. Last evaluated: 2022-07-10. Review status: criteria provided, single submitter. Criteria: Ambry Variant Classification Scheme 2023. Collection method: clinical testing. Allele origin: germline.
Comment: The p.H510R variant (also known as c.1529A>G), located in coding exon 13 of the LRRK2 gene, results from an A to G substitution at nucleotide position 1529. The histidine at codon 510 is replaced by arginine, an amino acid with highly similar properties. This amino acid position is conserved. In addition, the in silico prediction for this alteration is inconclusive. Since supporting evidence is limited at this time, the clinical significance of this alteration remains unclear.